The following is an entry in ClinVar:

ClinVar aggregate classification (germline): Conflicting classifications of pathogenicity. Review status: criteria provided, conflicting classifications (1 of 4 stars). 4 submissions from 4 submitters: Uncertain significance (2); Likely benign (1). 1 of the submissions does not count toward it. Last evaluated 2025-06-18.

Conditions:
POLE-related disorder. Also called: POLE-related condition; POLE-related disorders.
Hereditary cancer-predisposing syndrome. Also called: Tumor predisposition; Hereditary neoplastic syndrome; Hereditary Cancer Syndrome; Neoplastic Syndromes, Hereditary. Identifiers: Orphanet 140162, MedGen C0027672, MeSH D009386, MONDO:0015356.

Allele frequency attached by ClinVar (database versions not stated): gnomAD exomes below 0.00001.
gnomAD v4.1: 4 of 1,613,752 alleles (0.00025%); highest among the groups gnomAD compares: Middle Eastern, 0.016%; no homozygotes.

Submissions (4):

Ambry Genetics
Classification: Likely benign for Hereditary cancer-predisposing syndrome. Last evaluated: 2025-06-18. Review status: criteria provided, single submitter. Criteria: Ambry Variant Classification Scheme 2023. Collection method: clinical testing. Allele origin: germline.

Labcorp Genetics (formerly Invitae), Labcorp
Classification: Uncertain significance. Last evaluated: 2025-02-05. Review status: criteria provided, single submitter. Criteria: Invitae Variant Classification Sherloc (09022015). Collection method: clinical testing. Allele origin: germline.
Comment: This sequence change replaces lysine, which is basic and polar, with arginine, which is basic and polar, at codon 792 of the POLE protein (p.Lys792Arg). This variant is not present in population databases (gnomAD no frequency). This variant has not been reported in the literature in individuals affected with POLE-related conditions. ClinVar contains an entry for this variant (Variation ID: 938497). An algorithm developed to predict the effect of missense changes on protein structure and function outputs the following: PolyPhen-2: "Benign". The arginine amino acid residue is found in multiple mammalian species, which suggests that this missense change does not adversely affect protein function. RNA analysis performed to evaluate the impact of this missense change on mRNA splicing indicates it does not significantly alter splicing (internal data). In summary, the available evidence is currently insufficient to determine the role of this variant in disease. Therefore, it has been classified as a Variant of Uncertain Significance.

GeneDx
Classification: Uncertain significance. Last evaluated: 2020-03-04. Review status: criteria provided, single submitter. Criteria: GeneDx Variant Classification Process June 2021. Collection method: clinical testing. Allele origin: germline. Affected: yes.
Comment: Not observed in large population cohorts (Lek et al., 2016); Has not been previously published as a pathogenic or benign germline variant to our knowledge; Protein-based in silico analysis supports a deleterious effect. In addition, splice predictors suggest this variant may impact gene splicing. In the absence of RNA or functional studies, the actual effect of this sequence change is unknown.; This variant is associated with the following publications: (PMID: 28577310)

PreventionGenetics, part of Exact Sciences
Classification: Uncertain significance for POLE-related condition. Last evaluated: 2024-01-04. Review status: no assertion criteria provided. Collection method: clinical testing. Allele origin: germline. Not counted in ClinVar's aggregate classification.
Comment: The POLE c.2375A>G variant is predicted to result in the amino acid substitution p.Lys792Arg. To our knowledge, this variant has not been reported as a germline variant in the literature or in a large population database, indicating this variant is rare. This variant is interpreted as uncertain significance in ClinVar. At this time, the clinical significance of this variant is uncertain due to the absence of conclusive functional and genetic evidence.

NM_006231.4(POLE):c.2375A>G (p.Lys792Arg)

Gene: POLE (DNA polymerase epsilon, catalytic subunit; minus strand). Cytogenetic location: 12q24.33.
Variant type: single nucleotide variant.
Coding change: c.2375A>G on transcript NM_006231.4 (MANE Select); coding-DNA position 2375, A replaced by G.
Protein change: p.Lys792Arg; replaces lysine 792 with arginine.
Molecular consequence: missense variant.
Genome position (GRCh38, 1-based): chr12:132,665,395, T>C on the plus strand (A>G on the coding strand, the complement: POLE is on the minus strand). VCF-style: chr12-132665395-T-C. GRCh37 (hg19) VCF-style: chr12-133241981-T-C.
Other names: short protein forms K792R.
Identifiers: ClinVar variation 938497 (VCV000938497.13), dbSNP rs2042772263, ClinGen allele CA387397564.
Genomic context (GRCh38, chr12:132,665,395, plus strand): 5'-AGGATGCACTTGTGGGCCAGCTGCAGCGAGTCATACAGCACCTCCATGTTCTTGCAGCGC[T>C]TCACCTCAGCCGCGTCGCCCACCTCCACGGCCGCCGAGAGCTTCTTTTTCCACACCTGAG-3'
Protein context (NP_006222.2, residues 782-802): AVEVGDAAEV[Lys792Arg]RCKNMEVLYD